The following is an entry in ClinVar:

ClinVar aggregate classification (germline): Likely benign. Review status: criteria provided, multiple submitters, no conflicts (2 of 4 stars). 2 submissions from 2 submitters: Likely benign (2). Last evaluated 2025-06-22.

Conditions:
Wilson-Turner syndrome (WTS). Also called: MENTAL RETARDATION, X-LINKED, SYNDROMIC 6; INTELLECTUAL DEVELOPMENTAL DISORDER, X-LINKED, SYNDROMIC, WILSON-TURNER TYPE. Identifiers: Orphanet 3459, MedGen C1839736, MONDO:0010665, OMIM 309585.

gnomAD v4.1: 12 of 1,210,244 alleles (0.00099%); highest among the groups gnomAD compares: Non-Finnish European, 0.0013%; no homozygotes.

Submissions (2):

Labcorp Genetics (formerly Invitae), Labcorp
Classification: Likely benign for Wilson-Turner syndrome. Last evaluated: 2025-06-22. Review status: criteria provided, single submitter. Criteria: Invitae Variant Classification Sherloc (09022015). Collection method: clinical testing. Allele origin: germline.

CeGaT Center for Human Genetics Tuebingen
Classification: Likely benign. Last evaluated: 2025-03-01. Review status: criteria provided, single submitter. Criteria: CeGaT Center For Human Genetics Tuebingen Variant Classification Criteria Version 2. Collection method: clinical testing. Allele origin: germline. Affected: yes. Observed: 1 variant allele.
Comment: LAS1L: BP4, BP7, BS2

NM_031206.7(LAS1L):c.1977C>T (p.Thr659=)

Gene: LAS1L (LAS1 like ribosome biogenesis factor; minus strand). Cytogenetic location: Xq12.
Variant type: single nucleotide variant.
Coding change: c.1977C>T on transcript NM_031206.7 (MANE Select); coding-DNA position 1977, C replaced by T.
Protein change: p.Thr659=; no amino-acid change (threonine 659 retained).
Molecular consequence: synonymous variant. On other transcripts: non-coding transcript variant (1).
Genome position (GRCh38, 1-based): chrX:65,514,924, G>A on the plus strand (C>T on the coding strand, the complement: LAS1L is on the minus strand). VCF-style: chrX-65514924-G-A. GRCh37 (hg19) VCF-style: chrX-64734804-G-A.
Other names: c.1926C>T, p.Thr642= (NM_001170649.2); c.1800C>T, p.Thr600= (NM_001170650.2); c.1974C>T, p.Thr658= (NM_001375328.1); c.1020C>T, p.Thr340= (NM_001375332.1); c.1923C>T, p.Thr641= (NM_001375333.1).
Identifiers: ClinVar variation 3778312 (VCV003778312.8).